The following is an entry in ClinVar:

NM_032387.5(WNK4):c.1477-12C>G

Gene: WNK4 (WNK lysine deficient protein kinase 4; plus strand). Cytogenetic location: 17q21.2.
Variant type: single nucleotide variant.
Coding change: c.1477-12C>G on transcript NM_032387.5 (MANE Select); 12 bases into the intron before coding-DNA position 1477, C replaced by G.
Molecular consequence: intron variant.
Genome position (GRCh38, 1-based): chr17:42,787,266, C>G. VCF-style: chr17-42787266-C-G. GRCh37 (hg19) VCF-style: chr17-40939284-C-G.
Other names: c.469-12C>G (NM_001321299.2).
Identifiers: ClinVar variation 3582007 (VCV003582007.3).

ClinVar aggregate classification (germline): Uncertain significance. Review status: criteria provided, multiple submitters, no conflicts (2 of 4 stars). 2 submissions from 2 submitters: Uncertain significance (2). Last evaluated 2024-07-11.

Conditions:
Pseudohypoaldosteronism type 2B (PHA2B). Also called: Pseudohypoaldosteronism Type IIB. Identifiers: Orphanet 757, Orphanet 88939, MedGen C1840390, MONDO:0013777, OMIM 614491.

gnomAD v4.1: 18 of 1,613,594 alleles (0.0011%); highest among the groups gnomAD compares: Non-Finnish European, 0.0015%; no homozygotes.

Submissions (2):

Labcorp Genetics (formerly Invitae), Labcorp
Classification: Uncertain significance. Last evaluated: 2024-07-11. Review status: criteria provided, single submitter. Criteria: Invitae Variant Classification Sherloc (09022015). Collection method: clinical testing. Allele origin: germline.
Comment: This sequence change falls in intron 6 of the WNK4 gene. It does not directly change the encoded amino acid sequence of the WNK4 protein. This variant is present in population databases (rs748576518, gnomAD 0.002%). This variant has not been reported in the literature in individuals affected with WNK4-related conditions. Algorithms developed to predict the effect of sequence changes on RNA splicing suggest that this variant may disrupt the consensus splice site. In summary, the available evidence is currently insufficient to determine the role of this variant in disease. Therefore, it has been classified as a Variant of Uncertain Significance.

Fulgent Genetics
Classification: Uncertain significance for Pseudohypoaldosteronism type 2B. Last evaluated: 2024-04-19. Review status: criteria provided, single submitter. Criteria: ACMG Guidelines, 2015. Collection method: clinical testing. Allele origin: germline.